The following is an entry in ClinVar:

NM_003742.4(ABCB11):c.2T>A (p.Met1Lys)

Gene: ABCB11 (ATP binding cassette subfamily B member 11; minus strand). Cytogenetic location: 2q31.1.
Variant type: single nucleotide variant.
Coding change: c.2T>A on transcript NM_003742.4 (MANE Select); coding-DNA position 2, T replaced by A.
Protein change: p.Met1Lys; changes the start codon (methionine 1).
Molecular consequence: missense variant, initiator codon variant.
Genome position (GRCh38, 1-based): chr2:169,018,124, A>T on the plus strand (T>A on the coding strand, the complement: ABCB11 is on the minus strand). VCF-style: chr2-169018124-A-T. GRCh37 (hg19) VCF-style: chr2-169874634-A-T.
Other names: short protein forms M1K.
Identifiers: ClinVar variation 4846099 (VCV004846099.1).

ClinVar aggregate classification (germline): Pathogenic (1 of 4 stars; one submission).

Conditions:
Familial intrahepatic cholestasis. Identifiers: Orphanet 284385, MedGen CN296401, MONDO:0017290.

Submission:

Genomenon, Inc
Classification: Pathogenic for Familial intrahepatic cholestasis. Last evaluated: 2026-04-14. Review status: criteria provided, single submitter. Criteria: Genomenon Sequence Variant Interpretation Standards - Updated. Collection method: curation. Allele origin: germline. Affected: yes.
Comment: ABCB11 p.Met1? (c.2T>A) is a variant that disrupts the initiation codon, leading to an altered or absent protein product. This variant has been observed in at least one proband with an ABCB11-related disorder (PMID:32087350). It is absent or not present at a significant frequency in gnomAD. In conclusion, we classify ABCB11 p.Met1? (c.2T>A) as a pathogenic variant.

Literature cited by the submitters: PubMed 32087350.